The following is an entry in ClinVar:

NM_024642.5(GALNT12):c.1471A>G (p.Thr491Ala)

Gene: GALNT12 (polypeptide N-acetylgalactosaminyltransferase 12; plus strand). Cytogenetic location: 9q22.33.
Variant type: single nucleotide variant.
Coding change: c.1471A>G on transcript NM_024642.5 (MANE Select); coding-DNA position 1471, A replaced by G.
Protein change: p.Thr491Ala; replaces threonine 491 with alanine.
Molecular consequence: missense variant.
Genome position (GRCh38, 1-based): chr9:98,845,989, A>G. VCF-style: chr9-98845989-A-G. GRCh37 (hg19) VCF-style: chr9-101608271-A-G.
Other names: short protein forms T491A.
Identifiers: ClinVar variation 2451780 (VCV002451780.3), dbSNP rs759388241, ClinGen allele CA5154297.
Genomic context (GRCh38, chr9:98,845,989, plus strand): 5'-CACATCAGTGGAAAATGTTGTGTTACATGTTGGCTGCCCCATTTTTAGTTTTTCGAGTAC[A>G]CGTCCCAGAAAGAAATACGCTATAACACCCACCAGCCTGAGGGCTGCATTGCTGTGGAAG-3'
Protein context (NP_078918.3, residues 481-501): GMGQNQFFEY[Thr491Ala]SQKEIRYNTH

ClinVar aggregate classification (germline): Uncertain significance (1 of 4 stars; one submission).

Allele frequency attached by ClinVar (database versions not stated): ExAC 0.00002; gnomAD exomes 0.00001.
gnomAD v4.1: 4 of 1,614,132 alleles (0.00025%); highest among the groups gnomAD compares: South Asian, 0.0044%; no homozygotes.

Submission:

Ambry Genetics
Classification: Uncertain significance. Last evaluated: 2025-10-16. Review status: criteria provided, single submitter. Criteria: Ambry Variant Classification Scheme 2023. Collection method: clinical testing. Allele origin: germline.
Comment: The p.T491A variant (also known as c.1471A>G), located in coding exon 9 of the GALNT12 gene, results from an A to G substitution at nucleotide position 1471. The threonine at codon 491 is replaced by alanine, an amino acid with similar properties. This amino acid position is conserved. In addition, the in silico prediction for this alteration is inconclusive. Since supporting evidence is limited at this time, the clinical significance of this alteration remains unclear.